The following is an entry in ClinVar:

NM_145886.4(PIDD1):c.793C>T (p.Leu265Phe)

Gene: PIDD1 (p53-induced death domain protein 1; minus strand). Cytogenetic location: 11p15.5.
Variant type: single nucleotide variant.
Coding change: c.793C>T on transcript NM_145886.4 (MANE Select); coding-DNA position 793, C replaced by T.
Protein change: p.Leu265Phe; replaces leucine 265 with phenylalanine.
Molecular consequence: missense variant.
Genome position (GRCh38, 1-based): chr11:802,808, G>A on the plus strand (C>T on the coding strand, the complement: PIDD1 is on the minus strand). VCF-style: chr11-802808-G-A. GRCh37 (hg19) VCF-style: chr11-802808-G-A.
Other names: c.793C>T, p.Leu265Phe (NM_145887.4); short protein forms L265F.
Identifiers: ClinVar variation 3767149 (VCV003767149.2).

ClinVar aggregate classification (germline): Uncertain significance (1 of 4 stars; one submission).

Conditions:
Intellectual developmental disorder, autosomal recessive 75, with neuropsychiatric features and variant lissencephaly (MRT75). Identifiers: MedGen C5676961, MONDO:0030785, OMIM 619827.

Submission:

Kasturba Medical College, Manipal, Kasturba Medical College, Manipal, Manipal Academy of Higher Education, Manipal, India
Classification: Uncertain significance for Intellectual developmental disorder, autosomal recessive 75, with neuropsychiatric features and variant lissencephaly. Review status: criteria provided, single submitter. Criteria: ACMG Guidelines, 2015. Collection method: research. Allele origin: maternal. Inheritance: Autosomal recessive inheritance. Affected: yes. Observed: 1 heterozygote.
Comment: This variant was absent in homozygous and/or in heterozygous state in gnomAD (v4.1.0) and in-house database. In silico prediction tools (CADD_phred, Revel, MutationTaster) are consistent in predicting the variant to be damaging to PIDD1 protein function.